The following is an entry in ClinVar:

ClinVar aggregate classification (germline): Likely pathogenic (1 of 4 stars; one submission).

Conditions:
Saldino-Mainzer syndrome (SRTD9). Also called: CONORENAL SYNDROME; Renal dysplasia, retinal pigmentary dystrophy, cerebellar ataxia and skeletal dysplasia; SHORT-RIB THORACIC DYSPLASIA 9 WITHOUT POLYDACTYLY; short-rib thoracic dysplasia 9 with or without polydactyly. Identifiers: Orphanet 140969, MedGen C1849437, MONDO:0009964, OMIM 266920.

Submission:

Labcorp Genetics (formerly Invitae), Labcorp
Classification: Likely pathogenic for Saldino-Mainzer syndrome. Last evaluated: 2025-04-17. Review status: criteria provided, single submitter. Criteria: Invitae Variant Classification Sherloc (09022015). Collection method: clinical testing. Allele origin: germline.
Comment: This sequence change affects a donor splice site in intron 22 of the IFT140 gene. It is expected to disrupt RNA splicing. Variants that disrupt the donor or acceptor splice site typically lead to a loss of protein function (PMID: 16199547), and loss-of-function variants in IFT140 are known to be pathogenic (PMID: 22503633, 23418020, 24009529, 26216056). This variant is not present in population databases (gnomAD no frequency). This variant has not been reported in the literature in individuals affected with IFT140-related conditions. ClinVar contains an entry for this variant (Variation ID: 2803324). Algorithms developed to predict the effect of sequence changes on RNA splicing suggest that this variant may disrupt the consensus splice site. In summary, the currently available evidence indicates that the variant is pathogenic, but additional data are needed to prove that conclusively. Therefore, this variant has been classified as Likely Pathogenic.

Literature cited by the submitters: PubMed 16199547; PubMed 22503633; PubMed 23418020; PubMed 24009529; PubMed 26216056.

NM_014714.4(IFT140):c.2864+2T>C

Genes: IFT140 (intraflagellar transport 140; minus strand), LOC126862260 (CDK7 strongly-dependent group 2 enhancer GRCh37_chr16:1574508-1575707; plus strand). Cytogenetic location: 16p13.3.
Variant type: single nucleotide variant.
Coding change: c.2864+2T>C on transcript NM_014714.4 (MANE Select); the canonical splice donor site of the intron after coding-DNA position 2864, T replaced by C.
Molecular consequence: splice donor variant.
Genome position (GRCh38, 1-based): chr16:1,525,229, A>G on the plus strand (T>C on the coding strand, the complement: IFT140 is on the minus strand). VCF-style: chr16-1525229-A-G. GRCh37 (hg19) VCF-style: chr16-1575230-A-G.
Identifiers: ClinVar variation 2803324 (VCV002803324.3), dbSNP rs2506121441, ClinGen allele CA394226647.
Genomic context (GRCh38, chr16:1,525,229, plus strand): 5'-TGGGGTCCCTGCAAACCTCCAGGATGGAGTGCGGTCCCACCAGCCCTGGTGGGGACACTC[A>G]CTTATCCTTCATTTTATTCACGTAGAGCTCCAGGGACGGCAGGTCCTCCGACAGCATCCT-3'